The following is an entry in ClinVar:

ClinVar aggregate classification (germline): Uncertain significance. Review status: criteria provided, multiple submitters, no conflicts (2 of 4 stars). 2 submissions from 2 submitters: Uncertain significance (2). Last evaluated 2025-05-02.

Conditions:
Parathyroid carcinoma (PRTC). Also called: Parathyroid gland carcinoma; CDC73-Related Parathyroid Carcinoma. Identifiers: Orphanet 143, MedGen C0687150, MONDO:0012004, OMIM 608266, HP:0006780.
Hereditary cancer-predisposing syndrome. Also called: Hereditary neoplastic syndrome; Hereditary Cancer Syndrome; Tumor predisposition; Neoplastic Syndromes, Hereditary. Identifiers: Orphanet 140162, MedGen C0027672, MeSH D009386, MONDO:0015356.

Submissions (2):

Ambry Genetics
Classification: Uncertain significance for Hereditary cancer-predisposing syndrome. Last evaluated: 2025-05-02. Review status: criteria provided, single submitter. Criteria: Ambry Variant Classification Scheme 2023. Collection method: clinical testing. Allele origin: germline.
Comment: The p.V510L variant (also known as c.1528G>C), located in coding exon 16 of the CDC73 gene, results from a G to C substitution at nucleotide position 1528. The valine at codon 510 is replaced by leucine, an amino acid with highly similar properties. This amino acid position is conserved. In addition, the in silico prediction for this alteration is inconclusive. Based on the available evidence, the clinical significance of this variant remains unclear.

Labcorp Genetics (formerly Invitae), Labcorp
Classification: Uncertain significance for Parathyroid carcinoma. Last evaluated: 2023-11-02. Review status: criteria provided, single submitter. Criteria: Invitae Variant Classification Sherloc (09022015). Collection method: clinical testing. Allele origin: germline.
Comment: This sequence change replaces valine, which is neutral and non-polar, with leucine, which is neutral and non-polar, at codon 510 of the CDC73 protein (p.Val510Leu). This variant is not present in population databases (gnomAD no frequency). This variant has not been reported in the literature in individuals affected with CDC73-related conditions. ClinVar contains an entry for this variant (Variation ID: 2002562). Advanced modeling of protein sequence and biophysical properties (such as structural, functional, and spatial information, amino acid conservation, physicochemical variation, residue mobility, and thermodynamic stability) performed at Invitae indicates that this missense variant is not expected to disrupt CDC73 protein function with a negative predictive value of 80%. In summary, the available evidence is currently insufficient to determine the role of this variant in disease. Therefore, it has been classified as a Variant of Uncertain Significance.

NM_024529.5(CDC73):c.1528G>C (p.Val510Leu)

Gene: CDC73 (cell division cycle 73; plus strand). Cytogenetic location: 1q31.2.
Variant type: single nucleotide variant.
Coding change: c.1528G>C on transcript NM_024529.5 (MANE Select); coding-DNA position 1528, G replaced by C.
Protein change: p.Val510Leu; replaces valine 510 with leucine.
Molecular consequence: missense variant.
Genome position (GRCh38, 1-based): chr1:193,249,840, G>C. VCF-style: chr1-193249840-G-C. GRCh37 (hg19) VCF-style: chr1-193218970-G-C.
Other names: short protein forms V510L.
Identifiers: ClinVar variation 2002562 (VCV002002562.5), dbSNP rs2102073559, ClinGen allele CA344078589.